The following is an entry in ClinVar:

ClinVar aggregate classification (germline): Uncertain significance (1 of 4 stars; one submission).

Conditions:
Alstrom syndrome (ALMS). Identifiers: Orphanet 64, MedGen C0268425, MONDO:0008763, OMIM 203800.

gnomAD v4.1: 2 of 1,614,198 alleles (0.00012%); highest among the groups gnomAD compares: Non-Finnish European, 0.00017%; no homozygotes.

Submission:

Labcorp Genetics (formerly Invitae), Labcorp
Classification: Uncertain significance for Alstrom syndrome. Last evaluated: 2024-07-08. Review status: criteria provided, single submitter. Criteria: Invitae Variant Classification Sherloc (09022015). Collection method: clinical testing. Allele origin: germline.
Comment: This sequence change affects codon 3969 of the ALMS1 mRNA. It is a 'silent' change, meaning that it does not change the encoded amino acid sequence of the ALMS1 protein. This variant is not present in population databases (gnomAD no frequency). This variant has not been reported in the literature in individuals affected with ALMS1-related conditions. Algorithms developed to predict the effect of sequence changes on RNA splicing suggest that this variant may disrupt the consensus splice site. In summary, the available evidence is currently insufficient to determine the role of this variant in disease. Therefore, it has been classified as a Variant of Uncertain Significance.

NM_001378454.1(ALMS1):c.11904G>A (p.Val3968=)

Genes: ALMS1 (ALMS1 centrosome and basal body associated protein; plus strand), LOC126806252 (BRD4-independent group 4 enhancer GRCh37_chr2:73828496-73829695; plus strand). Cytogenetic location: 2p13.1.
Variant type: single nucleotide variant.
Coding change: c.11904G>A on transcript NM_001378454.1 (MANE Select); coding-DNA position 11904, G replaced by A.
Protein change: p.Val3968=; no amino-acid change (valine 3968 retained).
Molecular consequence: synonymous variant.
Genome position (GRCh38, 1-based): chr2:73,601,226, G>A. VCF-style: chr2-73601226-G-A. GRCh37 (hg19) VCF-style: chr2-73828353-G-A.
Other names: c.11907G>A, p.Val3969= (NM_015120.4).
Identifiers: ClinVar variation 3704237 (VCV003704237.2).